The following is an entry in ClinVar:

NM_014588.6(VSX1):c.*200G>T

Gene: VSX1 (visual system homeobox 1; minus strand). Cytogenetic location: 20p11.21.
Variant type: single nucleotide variant.
Coding change: c.*200G>T on transcript NM_014588.6 (MANE Select); 200 bases downstream of the stop codon, G replaced by T.
Molecular consequence: 3 prime UTR variant. On other transcripts: non-coding transcript variant (2), intron variant (2).
Genome position (GRCh38, 1-based): chr20:25,076,061, C>A on the plus strand (G>T on the coding strand, the complement: VSX1 is on the minus strand). VCF-style: chr20-25076061-C-A. GRCh37 (hg19) VCF-style: chr20-25056697-C-A.
Other names: c.*200G>T (NM_001378633.1); c.627+2768G>T (NM_001256271.2); c.808+1624G>T (NM_001256272.2).
Identifiers: ClinVar variation 337951 (VCV000337951.6), dbSNP rs75590263, ClinGen allele CA10643621.
Genomic context (GRCh38, chr20:25,076,061, plus strand): 5'-GCTACAAAAGAGAATCAAAAGTTTTGCACCAAGTTAACTGGTTAAAGTGCCATTAAGGAA[C>A]CGTTTCCATTCTAGAATGAAATAGAATTTTCCCTAGGTCACTCATCTGTCCTCTTAAAGC-3'

ClinVar aggregate classification (germline): Benign. Review status: criteria provided, multiple submitters, no conflicts (2 of 4 stars). 2 submissions from 2 submitters: Benign (2). Last evaluated 2018-01-12.

Conditions:
Posterior polymorphous corneal dystrophy. Also called: CORNEAL DYSTROPHY, HEREDITARY POLYMORPHOUS POSTERIOR; Polymorphous corneal dystrophy. Identifiers: Orphanet 98973, MedGen C0339284, MONDO:0020364, HP:0007915.

Allele frequency attached by ClinVar (database versions not stated): TOPMed 0.01031; gnomAD 0.01070; 1000 Genomes Project 30x 0.01077; 1000 Genomes Project 0.01098.
gnomAD v4.1: 9,328 of 692,238 alleles (1.3%); highest among the groups gnomAD compares: Admixed American, 1.8%; 90 homozygotes.

Submissions (2):

Illumina Laboratory Services, Illumina
Classification: Benign for Polymorphous corneal dystrophy. Last evaluated: 2018-01-12. Review status: criteria provided, single submitter. Criteria: ICSL Variant Classification Criteria 13 December 2019. Collection method: clinical testing. Allele origin: germline.
Comment: This variant was observed in the ICSL laboratory as part of a predisposition screen in an ostensibly healthy population. It had not been previously curated by ICSL or reported in the Human Gene Mutation Database (HGMD: prior to June 1st, 2018), and was therefore a candidate for classification through an automated scoring system. Utilizing variant allele frequency, disease prevalence and penetrance estimates, and inheritance mode, an automated score was calculated to assess if this variant is too frequent to cause the disease. Based on the score and internal cut-off values, a variant classified as benign is not then subjected to further curation. The score for this variant resulted in a classification of benign for this disease.

Breakthrough Genomics
Classification: Benign. Review status: criteria provided, single submitter. Criteria: ACMG Guidelines, 2015. Collection method: not provided. Allele origin: germline. Inheritance: Autosomal dominant inheritance. Affected: yes.